The following is an entry in ClinVar:

ClinVar aggregate classification (germline): Uncertain significance. Review status: criteria provided, multiple submitters, no conflicts (2 of 4 stars). 2 submissions from 2 submitters: Uncertain significance (2). Last evaluated 2026-05-01.

Conditions:
MYO15A-related disorder. Also called: MYO15A-related condition.

Allele frequency attached by ClinVar (database versions not stated): ExAC 0.00001; gnomAD exomes 0.00002; TOPMed 0.00002; gnomAD 0.00005; ESP Exome Variant Server 0.00008.
gnomAD v4.1: 42 of 1,613,938 alleles (0.0026%); highest among the groups gnomAD compares: Non-Finnish European, 0.0027%; no homozygotes.

Submissions (2):

PreventionGenetics, part of Exact Sciences
Classification: Uncertain significance for MYO15A-related condition. Last evaluated: 2026-05-01. Review status: criteria provided, single submitter. Criteria: ACMG Guidelines, 2015. Collection method: clinical testing. Allele origin: germline.
Comment: The MYO15A c.4682C>T variant is predicted to result in the amino acid substitution p.Ala1561Val. To our knowledge, this variant has not been reported in the literature. This variant is reported in 0.014% of alleles in individuals of European (Finnish) descent in gnomAD. At this time, the clinical significance of this variant is uncertain due to the absence of conclusive functional and genetic evidence.

Labcorp Genetics (formerly Invitae), Labcorp
Classification: Uncertain significance. Last evaluated: 2022-07-22. Review status: criteria provided, single submitter. Criteria: Invitae Variant Classification Sherloc (09022015). Collection method: clinical testing. Allele origin: germline.
Comment: This sequence change replaces alanine, which is neutral and non-polar, with valine, which is neutral and non-polar, at codon 1561 of the MYO15A protein (p.Ala1561Val). This variant is present in population databases (rs370844496, gnomAD 0.01%). This variant has not been reported in the literature in individuals affected with MYO15A-related conditions. Advanced modeling of protein sequence and biophysical properties (such as structural, functional, and spatial information, amino acid conservation, physicochemical variation, residue mobility, and thermodynamic stability) performed at Invitae indicates that this missense variant is not expected to disrupt MYO15A protein function. In summary, the available evidence is currently insufficient to determine the role of this variant in disease. Therefore, it has been classified as a Variant of Uncertain Significance.

NM_016239.4(MYO15A):c.4682C>T (p.Ala1561Val)

Gene: MYO15A (myosin XVA; plus strand). Cytogenetic location: 17p11.2.
Variant type: single nucleotide variant.
Coding change: c.4682C>T on transcript NM_016239.4 (MANE Select); coding-DNA position 4682, C replaced by T.
Protein change: p.Ala1561Val; replaces alanine 1561 with valine.
Molecular consequence: missense variant.
Genome position (GRCh38, 1-based): chr17:18,136,589, C>T. VCF-style: chr17-18136589-C-T. GRCh37 (hg19) VCF-style: chr17-18039903-C-T.
Other names: c.4682C>T (NM_016239.3); short protein forms A1561V.
Identifiers: ClinVar variation 1917708 (VCV001917708.3), dbSNP rs370844496, ClinGen allele CA8423996.
Genomic context (GRCh38, chr17:18,136,589, plus strand): 5'-TGTCCTGCTCACACCAGCACCACCTCTGCTCCAGGGACGCCATCGCCAAGGTCTTGTATG[C>T]ACTGCTGTTCAGCTGGCTCATCACCAGGGTCAACGCGCTGGTGTCCCCAAGGCAGGACAC-3'
Protein context (NP_057323.3, residues 1551-1571): ARDAIAKVLY[Ala1561Val]LLFSWLITRV